The following is an entry in ClinVar:

NM_003072.5(SMARCA4):c.242A>G (p.Glu81Gly)

Gene: SMARCA4 (SWI/SNF related BAF chromatin remodeling complex subunit ATPase 4; plus strand). Cytogenetic location: 19p13.2.
Variant type: single nucleotide variant.
Coding change: c.242A>G on transcript NM_003072.5 (MANE Select); coding-DNA position 242, A replaced by G.
Protein change: p.Glu81Gly; replaces glutamic acid 81 with glycine.
Molecular consequence: missense variant. On other transcripts: non-coding transcript variant (1).
Genome position (GRCh38, 1-based): chr19:10,985,292, A>G. VCF-style: chr19-10985292-A-G. GRCh37 (hg19) VCF-style: chr19-11095968-A-G.
Other names: c.242A>G, p.Glu81Gly (NM_001128844.3, NM_001128845.2, NM_001128846.2 and 6 more transcripts); short protein forms E81G.
Identifiers: ClinVar variation 2587113 (VCV002587113.2), dbSNP rs2145748742, ClinGen allele CA404055116.
Genomic context (GRCh38, chr19:10,985,292, plus strand): 5'-TTCCACATGCTGACCCTGCCTTGCCATGGTCCCTCTCGCAGCCCATGGAGTCCATGCATG[A>G]GAAGGGCATGTCGGACGACCCGCGCTACAACCAGATGAAAGGAATGGGGATGCGGTCAGG-3'
Protein context (NP_003063.2, residues 71-91): QMHKPMESMH[Glu81Gly]KGMSDDPRYN

ClinVar aggregate classification (germline): Uncertain significance (1 of 4 stars; one submission).

Conditions:
Hereditary cancer-predisposing syndrome. Also called: Tumor predisposition; Hereditary Cancer Syndrome; Hereditary neoplastic syndrome; Neoplastic Syndromes, Hereditary. Identifiers: Orphanet 140162, MedGen C0027672, MeSH D009386, MONDO:0015356.

Submission:

Ambry Genetics
Classification: Uncertain significance for Hereditary cancer-predisposing syndrome. Last evaluated: 2023-06-29. Review status: criteria provided, single submitter. Criteria: Ambry Variant Classification Scheme 2023. Collection method: clinical testing. Allele origin: germline.
Comment: The p.E81G variant (also known as c.242A>G), located in coding exon 2 of the SMARCA4 gene, results from an A to G substitution at nucleotide position 242. The glutamic acid at codon 81 is replaced by glycine, an amino acid with similar properties. This amino acid position is well conserved in available vertebrate species. In addition, the in silico prediction for this alteration is inconclusive. Missense and in-frame variants in SMARCA4 are known to cause neurodevelopmental disorders; however, such associations with rhabdoid tumor predisposition syndrome including small cell carcinoma of the ovary-hypercalcemic type (SCCOHT) are exceedingly rare (Kosho T et al. Am J Med Genet C Semin Med Genet. 2014 Sep;166C(3):262-75; Jelinic P et al. Nat Genet. 2014 May;46(5):424-6). Based on the supporting evidence, the association of this alteration with Coffin-Siris syndrome is unknown; however, the association of this alteration with rhabdoid tumor predisposition syndrome is unlikely.